The following is an entry in ClinVar:

NM_004168.4(SDHA):c.1133dup (p.Arg379fs)

Gene: SDHA (succinate dehydrogenase complex flavoprotein subunit A; plus strand). Cytogenetic location: 5p15.33.
Variant type: Duplication.
Coding change: c.1133dup on transcript NM_004168.4 (MANE Select); coding-DNA position 1133, one base duplicated (C; older notation c.1133dupC).
Protein change: p.Arg379fs; shifts the reading frame from arginine 379.
Molecular consequence: frameshift variant.
Genome position (GRCh38, 1-based): chr5:235,212, C duplicated. VCF-style (leftmost placement, unchanged base first): chr5-235211-A-AC. GRCh37 (hg19) VCF-style: chr5-235326-A-AC.
Other names: c.989dup, p.Arg331fs (NM_001294332.2); c.1133dup, p.Arg379fs (NM_001330758.2); short protein forms R331fs, R379fs.
Identifiers: ClinVar variation 2122609 (VCV002122609.4), dbSNP rs2477363140, ClinGen allele CA2580073121.
Genomic context (GRCh38, chr5:235,211, plus strand): 5'-GGCCCTGAGAAAGATCACGTCTACCTGCAGCTGCACCACCTACCTCCAGAGCAGCTGGCC[A>AC]CGCGCCTGCCTGGCATTTCAGAGACAGCCATGATCTTCGCTGGCGTGGACGTCACGAAGG-3'

ClinVar aggregate classification (germline): Pathogenic (1 of 4 stars; one submission).

Conditions:
Mitochondrial complex II deficiency, nuclear type 1. Also called: SUCCINATE CoQ REDUCTASE DEFICIENCY. Identifiers: Orphanet 3208, MedGen C5700310, MONDO:0100294, OMIM 252011.
Pheochromocytoma/paraganglioma syndrome 5. Also called: Paragangliomas 5; SDHA-Related Hereditary Paraganglioma-Pheochromocytoma Syndrome. Identifiers: Orphanet 29072, MedGen C3279992, MONDO:0013602, OMIM 614165.

Submission:

Labcorp Genetics (formerly Invitae), Labcorp
Classification: Pathogenic for Pheochromocytoma/paraganglioma syndrome 5; Mitochondrial complex II deficiency, nuclear type 1. Last evaluated: 2022-06-14. Review status: criteria provided, single submitter. Criteria: Invitae Variant Classification Sherloc (09022015). Collection method: clinical testing. Allele origin: germline.
Comment: For these reasons, this variant has been classified as Pathogenic. This variant has not been reported in the literature in individuals affected with SDHA-related conditions. This variant is not present in population databases (gnomAD no frequency). This sequence change creates a premature translational stop signal (p.Arg379Alafs*31) in the SDHA gene. It is expected to result in an absent or disrupted protein product. Loss-of-function variants in SDHA are known to be pathogenic (PMID: 22974104, 24781757).

Literature cited by the submitters: PubMed 22974104; PubMed 24781757.